The following is an entry in ClinVar:

NC_000022.11:g.40345588_40345589insAGG

Gene: ADSL (adenylosuccinate lyase; plus strand). Cytogenetic location: 22q13.1.
Variant type: Insertion.
Genome position: GRCh38 VCF-style: chr22-40345588-A-AAGG. GRCh37 (hg19) VCF-style: chr22-40741592-A-AAGG.
Identifiers: ClinVar variation 1988193 (VCV001988193.5), dbSNP rs377707583, ClinGen allele CA514611894.

ClinVar aggregate classification (germline): Uncertain significance (1 of 4 stars; one submission).

Conditions:
Adenylosuccinate lyase deficiency (ADSLD). Also called: ADSL DEFICIENCY. Identifiers: Orphanet 46, MedGen C0268126, MONDO:0007068, OMIM 103050.

Submission:

Labcorp Genetics (formerly Invitae), Labcorp
Classification: Uncertain significance for Adenylosuccinate lyase deficiency. Last evaluated: 2020-12-27. Review status: criteria provided, single submitter. Criteria: Invitae Variant Classification Sherloc (09022015). Collection method: clinical testing. Allele origin: germline.
Comment: This variant occurs in a non-coding region of the ADSL gene. It does not change the encoded amino acid sequence of the ADSL protein. In summary, the available evidence is currently insufficient to determine the role of this variant in disease. Therefore, it has been classified as a Variant of Uncertain Significance. Experimental studies and prediction algorithms are not available or were not evaluated, and the functional significance of this variant is currently unknown. This variant has not been reported in the literature in individuals with ADSL-related conditions. The frequency data for this variant in the population databases is considered unreliable, as metrics indicate insufficient coverage at this position in the ExAC database.